The following is an entry in ClinVar:

ClinVar aggregate classification (germline): Uncertain significance (1 of 4 stars; one submission).

Conditions:
Myopathy, centronuclear, 2 (CNM2). Also called: MYOTUBULAR MYOPATHY, AUTOSOMAL RECESSIVE. Identifiers: Orphanet 169186, MedGen CN031787, MONDO:0009709, OMIM 255200.

Allele frequency attached by ClinVar (database versions not stated): gnomAD exomes 0.00001; gnomAD 0.00002; TOPMed 0.00002; ExAC 0.00003; 1000 Genomes Project 30x 0.00016; 1000 Genomes Project 0.00020.
gnomAD v4.1: 13 of 1,603,060 alleles (0.00081%); highest among the groups gnomAD compares: African/African-American, 0.0013%; no homozygotes.

Submission:

Labcorp Genetics (formerly Invitae), Labcorp
Classification: Uncertain significance for Myopathy, centronuclear, 2. Last evaluated: 2023-02-22. Review status: criteria provided, single submitter. Criteria: Invitae Variant Classification Sherloc (09022015). Collection method: clinical testing. Allele origin: germline.
Comment: In summary, the available evidence is currently insufficient to determine the role of this variant in disease. Therefore, it has been classified as a Variant of Uncertain Significance. Variants that disrupt the consensus splice site are a relatively common cause of aberrant splicing (PMID: 17576681, 9536098). Algorithms developed to predict the effect of sequence changes on RNA splicing suggest that this variant is not likely to affect RNA splicing. This variant has not been reported in the literature in individuals affected with BIN1-related conditions. This variant is present in population databases (rs548627640, gnomAD 0.007%). This sequence change falls in intron 10 of the BIN1 gene. It does not directly change the encoded amino acid sequence of the BIN1 protein. It affects a nucleotide within the consensus splice site.

Literature cited by the submitters: PubMed 17576681; PubMed 9536098.

NM_139343.3(BIN1):c.857+5G>A

Gene: BIN1 (bridging integrator 1; minus strand). Cytogenetic location: 2q14.3.
Variant type: single nucleotide variant.
Coding change: c.857+5G>A on transcript NM_139343.3 (MANE Select); 5 bases into the intron after coding-DNA position 857, G replaced by A.
Molecular consequence: intron variant.
Genome position (GRCh38, 1-based): chr2:127,062,110, C>T on the plus strand (G>A on the coding strand, the complement: BIN1 is on the minus strand). VCF-style: chr2-127062110-C-T. GRCh37 (hg19) VCF-style: chr2-127819686-C-T.
Other names: c.776+5G>A (NM_001320642.1); c.692+5G>A (NM_001320634.1); c.764+5G>A (NM_139351.3, NM_139350.3, NM_139349.3 and 6 more transcripts); c.857+5G>A (NM_001320633.2, NM_139345.3, NM_139344.3 and 1 more transcripts).
Identifiers: ClinVar variation 2711784 (VCV002711784.3), dbSNP rs548627640, ClinGen allele CA1857309.
Genomic context (GRCh38, chr2:127,062,110, plus strand): 5'-ACAGGAAGGAGCCCTGCCCCTGCCGTGCACACAGTCAGGGGCGCCAGGGCTCTCCCCGCA[C>T]GCACCTGGGCTGGGCCTTGACCGTGAAGGTGTTGCTCCCGTGTTGCTTCTCCAGGCCGAC-3'